The following is an entry in ClinVar:

ClinVar aggregate classification (germline): Likely benign (0 of 4 stars; one submission).

Conditions:
LUC7L-related disorder. Also called: LUC7L-related condition.

Allele frequency attached by ClinVar (database versions not stated): gnomAD exomes 0.00007; gnomAD 0.00009; TOPMed 0.00009; 1000 Genomes Project 30x 0.00016; 1000 Genomes Project 0.00020; ExAC 0.00024.
gnomAD v4.1: 117 of 1,613,820 alleles (0.0072%); highest among the groups gnomAD compares: Admixed American, 0.077%; 2 homozygotes.

Submission:

PreventionGenetics, part of Exact Sciences
Classification: Likely benign for LUC7L-related condition. Last evaluated: 2019-06-21. Review status: no assertion criteria provided. Collection method: clinical testing. Allele origin: germline.
Comment: This variant is classified as likely benign based on ACMG/AMP sequence variant interpretation guidelines (Richards et al. 2015 PMID: 25741868, with internal and published modifications).

NM_201412.3(LUC7L):c.618G>A (p.Leu206=)

Gene: LUC7L (LUC7 like; minus strand). Cytogenetic location: 16p13.3.
Variant type: single nucleotide variant.
Coding change: c.618G>A on transcript NM_201412.3 (MANE Select); coding-DNA position 618, G replaced by A.
Protein change: p.Leu206=; no amino-acid change (leucine 206 retained).
Molecular consequence: synonymous variant.
Genome position (GRCh38, 1-based): chr16:199,131, C>T on the plus strand (G>A on the coding strand, the complement: LUC7L is on the minus strand). VCF-style: chr16-199131-C-T. GRCh37 (hg19) VCF-style: chr16-249130-C-T.
Other names: c.618G>A, p.Leu206= (NM_001320226.2, NM_018032.5); c.459G>A, p.Leu153= (NM_001330420.2).
Identifiers: ClinVar variation 3042979 (VCV003042979.2), dbSNP rs552129426, ClinGen allele CA7770649.